The following is an entry in ClinVar:

ClinVar aggregate classification (germline): Uncertain significance. Review status: criteria provided, multiple submitters, no conflicts (2 of 4 stars). 2 submissions from 2 submitters: Uncertain significance (2). Last evaluated 2022-01-18.

Allele frequency attached by ClinVar (database versions not stated): ExAC 0.00001.
gnomAD v4.1: 19 of 1,613,916 alleles (0.0012%); highest among the groups gnomAD compares: Middle Eastern, 0.033%; no homozygotes.

Submissions (2):

Mayo Clinic Laboratories, Mayo Clinic
Classification: Uncertain significance. Last evaluated: 2022-01-18. Review status: criteria provided, single submitter. Criteria: ACMG Guidelines, 2015. Collection method: clinical testing. Allele origin: germline. Observed: 1 variant allele.
Comment: PM2

Blueprint Genetics
Classification: Uncertain significance. Last evaluated: 2021-09-02. Review status: criteria provided, single submitter. Criteria: ACMG Guidelines, 2015. Collection method: clinical testing. Allele origin: germline.

NM_001146079.2(CLDN14):c.562G>A (p.Glu188Lys)

Genes: CLDN14 (claudin 14; minus strand), CLDN14-AS1 (CLDN14 antisense RNA 1; plus strand). Cytogenetic location: 21q22.13.
Variant type: single nucleotide variant.
Coding change: c.562G>A on transcript NM_001146079.2 (MANE Select); coding-DNA position 562, G replaced by A.
Protein change: p.Glu188Lys; replaces glutamic acid 188 with lysine.
Molecular consequence: missense variant.
Genome position (GRCh38, 1-based): chr21:36,461,134, C>T on the plus strand (G>A on the coding strand, the complement: CLDN14 is on the minus strand). VCF-style: chr21-36461134-C-T. GRCh37 (hg19) VCF-style: chr21-37833432-C-T.
Other names: p.Glu188Lys; c.562G>A, p.Glu188Lys (NM_001146077.2, NM_001146078.3, NM_012130.4 and 1 more transcripts); short protein forms E188K.
Identifiers: ClinVar variation 2683553 (VCV002683553.2), dbSNP rs745441972, ClinGen allele CA10019229.
Genomic context (GRCh38, chr21:36,461,134, plus strand): 5'-CGGTGTTTGCAGTGGTCGTGGTGGCCCTGGGCGGGGCCTGGTAGGGCCTGTAGGGTGCCT[C>T]GTCCTGGCAGGACAGGCAAAGCAGGGTGCCACCAATGAGCGAGAGGGACGAGGAGATGAA-3'
Protein context (NP_001139551.1, residues 178-198): GTLLCLSCQD[Glu188Lys]APYRPYQAPP